The following is an entry in ClinVar:

ClinVar aggregate classification (germline): Uncertain significance (1 of 4 stars; one submission).

Allele frequency attached by ClinVar (database versions not stated): gnomAD exomes 0.00001; TOPMed 0.00001.
gnomAD v4.1: 12 of 1,209,273 alleles (0.00099%); highest among the groups gnomAD compares: East Asian, 0.0059%; no homozygotes.

Submission:

GeneDx
Classification: Uncertain significance. Last evaluated: 2023-10-28. Review status: criteria provided, single submitter. Criteria: GeneDx Variant Classification Process June 2021. Collection method: clinical testing. Allele origin: germline. Affected: yes.
Comment: Not observed at significant frequency in large population cohorts (gnomAD); In silico analysis supports that this missense variant has a deleterious effect on protein structure/function; Has not been previously published as pathogenic or benign to our knowledge

NM_153252.5(BRWD3):c.2872C>T (p.Arg958Trp)

Gene: BRWD3 (bromodomain and WD repeat domain containing 3; minus strand). Cytogenetic location: Xq21.1.
Variant type: single nucleotide variant.
Coding change: c.2872C>T on transcript NM_153252.5 (MANE Select); coding-DNA position 2872, C replaced by T.
Protein change: p.Arg958Trp; replaces arginine 958 with tryptophan.
Molecular consequence: missense variant.
Genome position (GRCh38, 1-based): chrX:80,700,028, G>A on the plus strand (C>T on the coding strand, the complement: BRWD3 is on the minus strand). VCF-style: chrX-80700028-G-A. GRCh37 (hg19) VCF-style: chrX-79955527-G-A.
Other names: short protein forms R958W.
Identifiers: ClinVar variation 2662653 (VCV002662653.1), dbSNP rs1368496222, ClinGen allele CA413624155.
Genomic context (GRCh38, chrX:80,700,028, plus strand): 5'-TTTTGTTCCATGGCTGTTTTTGTAAATTAACACTGTATATTTTCGATTTCCTTACAGCCC[G>A]AACATAAGCTTCATGTCCTTGCCTAAAATAGATAAGCTAAAACAGAAAACATAAGGTATT-3'
Protein context (NP_694984.5, residues 948-968): YFRQGHEAYV[Arg958Trp]AVRKSKIYSV